The following is an entry in ClinVar:

NM_201253.3(CRB1):c.1773C>A (p.Cys591Ter)

Gene: CRB1 (crumbs cell polarity complex component 1; plus strand). Cytogenetic location: 1q31.3.
Variant type: single nucleotide variant.
Coding change: c.1773C>A on transcript NM_201253.3 (MANE Select); coding-DNA position 1773, C replaced by A.
Protein change: p.Cys591Ter; replaces cysteine 591 with a stop codon.
Molecular consequence: nonsense. On other transcripts: non-coding transcript variant (1).
Genome position (GRCh38, 1-based): chr1:197,421,601, C>A. VCF-style: chr1-197421601-C-A. GRCh37 (hg19) VCF-style: chr1-197390731-C-A.
Other names: c.1437C>A, p.Cys479Ter (NM_001193640.2); c.1566C>A, p.Cys522Ter (NM_001257965.2); c.1773C>A, p.Cys591Ter (NM_001257966.2); short protein forms C591*, C479*, C522*.
Identifiers: ClinVar variation 4817050 (VCV004817050.1).

ClinVar aggregate classification (germline): Likely pathogenic (1 of 4 stars; one submission).

Conditions:
Leber congenital amaurosis (LCA). Also called: Leber's amaurosis. Identifiers: Orphanet 65, MedGen C0339527, MeSH D057130, MONDO:0018998.

Submission:

Natera, Inc.
Classification: Likely pathogenic for Leber congenital amaurosis. Last evaluated: 2024-02-24. Review status: criteria provided, single submitter. Criteria: Natera Variant Classification Schema (03/2026). Collection method: clinical testing. Allele origin: germline.
Comment: The c.1773C>A variant in CRB1 is a nonsense variant predicted to introduce a stop codon at amino acid 591. This variant is expected to result in nonsense mediated decay, truncation, or a dysfunctional protein product. This variant is rare in the general population with a frequency below the threshold expected for the associated phenotype(s). Given the available evidence, this variant is classified as Likely Pathogenic.